The following is an entry in ClinVar:

NM_001384732.1(CPLANE1):c.8947A>T (p.Arg2983Ter)

Gene: CPLANE1 (ciliogenesis and planar polarity effector complex subunit 1; minus strand). Cytogenetic location: 5p13.2.
Variant type: single nucleotide variant.
Coding change: c.8947A>T on transcript NM_001384732.1 (MANE Select); coding-DNA position 8947, A replaced by T.
Protein change: p.Arg2983Ter; replaces arginine 2983 with a stop codon.
Molecular consequence: nonsense.
Genome position (GRCh38, 1-based): chr5:37,125,255, T>A on the plus strand (A>T on the coding strand, the complement: CPLANE1 is on the minus strand). VCF-style: chr5-37125255-T-A. GRCh37 (hg19) VCF-style: chr5-37125357-T-A.
Other names: c.8785A>T, p.Arg2929Ter (NM_023073.4); short protein forms R2929*, R2983*.
Identifiers: ClinVar variation 537711 (VCV000537711.1), dbSNP rs1345413118, ClinGen allele CA359498396.

ClinVar aggregate classification (germline): Pathogenic (1 of 4 stars; one submission).

Conditions:
Joubert syndrome 17 (JBTS17). Identifiers: Orphanet 475, MedGen C3553264, MONDO:0013824, OMIM 614615.
Orofaciodigital syndrome type 6 (OFD6). Also called: OROFACIODIGITAL SYNDROME VI; OFDS VI; POLYDACTYLY, CLEFT LIP/PALATE OR LINGUAL LUMP, AND PSYCHOMOTOR RETARDATION; VARADI SYNDROME; VARADI-PAPP SYNDROME; Oral-facial-digital syndrome type 6. Identifiers: Orphanet 2754, MedGen C2745997, MONDO:0010176, OMIM 277170.

Submission:

Labcorp Genetics (formerly Invitae), Labcorp
Classification: Pathogenic for Orofaciodigital syndrome type 6; Joubert syndrome 17. Last evaluated: 2017-11-13. Review status: criteria provided, single submitter. Criteria: Invitae Variant Classification Sherloc (09022015). Collection method: clinical testing. Allele origin: germline.
Comment: This sequence change creates a premature translational stop signal (p.Arg2929*) in the C5orf42 gene. It is expected to result in an absent or disrupted protein product. This variant is not present in population databases (ExAC no frequency). This variant has not been reported in the literature in individuals with C5orf42-related disease. Loss-of-function variants in C5orf42 are known to be pathogenic (PMID: 22425360). For these reasons, this variant has been classified as Pathogenic.